The following is an entry in ClinVar:

ClinVar aggregate classification (germline): Pathogenic (1 of 4 stars; one submission).

Conditions:
Mitochondrial DNA depletion syndrome 1. Also called: Mitochondrial neurogastrointestinal encephalomyopathy syndrome; Mitochondrial DNA Depletion Syndrome, MNGIE Form; POLIP SYNDROME; POLYNEUROPATHY, OPHTHALMOPLEGIA, LEUKOENCEPHALOPATHY, AND INTESTINAL PSEUDOOBSTRUCTION; Mitochondrial DNA depletion syndrome 1 (MNGIE type); Mitochondrial Neurogastrointestinal Encephalopathy Disease. Identifiers: Orphanet 298, MedGen C4551995, MONDO:0011283, OMIM 603041.

Submission:

Myriad Genetics, Inc.
Classification: Pathogenic for Mitochondrial DNA depletion syndrome 1. Last evaluated: 2025-05-07. Review status: criteria provided, single submitter. Criteria: Myriad Autosomal Dominant, Autosomal Recessive and X-Linked Classification Criteria (2023). Collection method: clinical testing. Allele origin: unknown.
Comment: NM_001257989.1(TYMP):c.31delG(A11Pfs*29) is a frameshift variant classified as pathogenic in the context of mitochondrial neurogastrointestinal encephalopathy disease. A11Pfs*29 has not been observed in cases with relevant disease. Relevant functional assessments of this variant are not available in the literature. A11Pfs*29 has not been observed in referenced population frequency databases. In summary, NM_001257989.1(TYMP):c.31delG(A11Pfs*29) is a frameshift variant in a gene where loss of function is a known mechanism of disease and is predicted to disrupt protein function. Please note: this variant was assessed in the context of healthy population screening.

NM_001953.5(TYMP):c.31del (p.Ala11fs)

Gene: TYMP (thymidine phosphorylase; minus strand). Cytogenetic location: 22q13.33.
Variant type: Deletion.
Coding change: c.31del on transcript NM_001953.5 (MANE Select); coding-DNA position 31, one base deleted (G; older notation c.31delG).
Protein change: p.Ala11fs; shifts the reading frame from alanine 11.
Molecular consequence: frameshift variant.
Genome position (GRCh38, 1-based): chr22:50,529,679, C deleted on the plus strand (G on the coding strand, the reverse complement: TYMP is on the minus strand); the first of 4 consecutive C bases (chr22:50,529,679-50,529,682); deleting any one gives the same sequence. VCF-style (leftmost placement, unchanged base first): chr22-50529678-GC-G. GRCh37 (hg19) VCF-style: chr22-50968107-GC-G.
Other names: c.31del, p.Ala11fs (NM_001113755.3, NM_001113756.3, NM_001257988.1 and 1 more transcripts); short protein forms A11fs.
Identifiers: ClinVar variation 4081815 (VCV004081815.1).